The following is an entry in ClinVar:

NM_017654.4(SAMD9):c.95A>T (p.His32Leu)

Gene: SAMD9 (sterile alpha motif domain containing 9; minus strand). Cytogenetic location: 7q21.2.
Variant type: single nucleotide variant.
Coding change: c.95A>T on transcript NM_017654.4 (MANE Select); coding-DNA position 95, A replaced by T.
Protein change: p.His32Leu; replaces histidine 32 with leucine.
Molecular consequence: missense variant.
Genome position (GRCh38, 1-based): chr7:93,106,003, T>A on the plus strand (A>T on the coding strand, the complement: SAMD9 is on the minus strand). VCF-style: chr7-93106003-T-A. GRCh37 (hg19) VCF-style: chr7-92735316-T-A.
Other names: c.95A>T, p.His32Leu (NM_001193307.2); short protein forms H32L.
Identifiers: ClinVar variation 782844 (VCV000782844.11), dbSNP rs746748986, ClinGen allele CA4343217.

ClinVar aggregate classification (germline): Likely benign. Review status: criteria provided, multiple submitters, no conflicts (2 of 4 stars). 3 submissions from 3 submitters: Likely benign (2). 1 of the submissions does not count toward it. Last evaluated 2026-01-06.

Conditions:
SAMD9-related disorder. Also called: SAMD9-related condition.

Allele frequency attached by ClinVar (database versions not stated): gnomAD 0.00014 and 0.00016; ExAC 0.00019; gnomAD exomes 0.00020; TOPMed 0.00021.
gnomAD v4.1: 109 of 1,592,606 alleles (0.0068%); highest among the groups gnomAD compares: East Asian, 0.15%; 2 homozygotes.

Submissions (3):

Labcorp Genetics (formerly Invitae), Labcorp
Classification: Likely benign. Last evaluated: 2026-01-06. Review status: criteria provided, single submitter. Criteria: Invitae Variant Classification Sherloc (09022015). Collection method: clinical testing. Allele origin: germline.

Blueprint Genetics
Classification: Likely benign. Last evaluated: 2024-11-27. Review status: criteria provided, single submitter. Criteria: ACMG Guidelines, 2015. Collection method: clinical testing. Allele origin: germline.

PreventionGenetics, part of Exact Sciences
Classification: Likely benign for SAMD9-related condition. Last evaluated: 2023-11-17. Review status: no assertion criteria provided. Collection method: clinical testing. Allele origin: germline. Not counted in ClinVar's aggregate classification.
Comment: This variant is classified as likely benign based on ACMG/AMP sequence variant interpretation guidelines (Richards et al. 2015 PMID: 25741868, with internal and published modifications).